The following is an entry in ClinVar:

NM_001113491.2(SEPTIN9):c.1535G>A (p.Arg512Lys)

Gene: SEPTIN9 (septin 9; plus strand). Cytogenetic location: 17q25.3.
Variant type: single nucleotide variant.
Coding change: c.1535G>A on transcript NM_001113491.2 (MANE Select); coding-DNA position 1535, G replaced by A.
Protein change: p.Arg512Lys; replaces arginine 512 with lysine.
Molecular consequence: missense variant.
Genome position (GRCh38, 1-based): chr17:77,493,038, G>A. VCF-style: chr17-77493038-G-A. GRCh37 (hg19) VCF-style: chr17-75489120-G-A.
Other names: c.1043G>A, p.Arg348Lys (NM_001113492.2, NM_001113494.1); c.1514G>A, p.Arg505Lys (NM_001113493.2); c.782G>A, p.Arg261Lys (NM_001113495.2, NM_001113496.2, NM_001293697.2 and 1 more transcripts); c.1478G>A, p.Arg493Lys (NM_001293695.2); c.863G>A, p.Arg288Lys (NM_001293696.2); c.1481G>A, p.Arg494Lys (NM_006640.5); short protein forms R348K, R512K, R261K, R288K, R493K, R494K, R505K.
Identifiers: ClinVar variation 3675672 (VCV003675672.2).

ClinVar aggregate classification (germline): Uncertain significance (1 of 4 stars; one submission).

gnomAD v4.1: 1 of 1,566,358 alleles (0.000064%); highest among the groups gnomAD compares: Non-Finnish European, 0.000087%; no homozygotes.

Submission:

Labcorp Genetics (formerly Invitae), Labcorp
Classification: Uncertain significance. Last evaluated: 2024-07-09. Review status: criteria provided, single submitter. Criteria: Invitae Variant Classification Sherloc (09022015). Collection method: clinical testing. Allele origin: germline.
Comment: This sequence change replaces arginine, which is basic and polar, with lysine, which is basic and polar, at codon 494 of the SEPT9 protein (p.Arg494Lys). The frequency data for this variant in the population databases is considered unreliable, as metrics indicate poor data quality at this position in the gnomAD database. This variant has not been reported in the literature in individuals affected with SEPT9-related conditions. Advanced modeling of protein sequence and biophysical properties (such as structural, functional, and spatial information, amino acid conservation, physicochemical variation, residue mobility, and thermodynamic stability) performed at Invitae indicates that this missense variant is not expected to disrupt SEPT9 protein function with a negative predictive value of 80%. In summary, the available evidence is currently insufficient to determine the role of this variant in disease. Therefore, it has been classified as a Variant of Uncertain Significance.